The following is an entry in ClinVar:

ClinVar aggregate classification (germline): Uncertain significance (1 of 4 stars; one submission).

Conditions:
EPILEPSY, CHILDHOOD ABSENCE, SUSCEPTIBILITY TO, 2 (ECA2). Identifiers: Orphanet 64280, MedGen C1843244, OMIM 607681.
Febrile seizures, familial, 8 (FEB8). Also called: CONVULSIONS, FAMILIAL FEBRILE, 8. Identifiers: Orphanet 36387, MedGen C1969810, MONDO:0011891, OMIM 607681.

Allele frequency attached by ClinVar (database versions not stated): gnomAD exomes below 0.00001.
gnomAD v4.1: 2 of 1,613,948 alleles (0.00012%); highest among the groups gnomAD compares: Non-Finnish European, 0.00017%; no homozygotes.

Submission:

Labcorp Genetics (formerly Invitae), Labcorp
Classification: Uncertain significance for Febrile seizures, familial, 8; EPILEPSY, CHILDHOOD ABSENCE, SUSCEPTIBILITY TO, 2. Last evaluated: 2023-04-23. Review status: criteria provided, single submitter. Criteria: Invitae Variant Classification Sherloc (09022015). Collection method: clinical testing. Allele origin: germline.
Comment: In summary, the available evidence is currently insufficient to determine the role of this variant in disease. Therefore, it has been classified as a Variant of Uncertain Significance. This sequence change replaces valine, which is neutral and non-polar, with isoleucine, which is neutral and non-polar, at codon 227 of the GABRG2 protein (p.Val227Ile). This variant is not present in population databases (gnomAD no frequency). This variant has not been reported in the literature in individuals affected with GABRG2-related conditions. Advanced modeling of protein sequence and biophysical properties (such as structural, functional, and spatial information, amino acid conservation, physicochemical variation, residue mobility, and thermodynamic stability) has been performed at Invitae for this missense variant, however the output from this modeling did not meet the statistical confidence thresholds required to predict the impact of this variant on GABRG2 protein function.

NM_198904.4(GABRG2):c.679G>A (p.Val227Ile)

Gene: GABRG2 (gamma-aminobutyric acid type A receptor subunit gamma2; plus strand). Cytogenetic location: 5q34.
Variant type: single nucleotide variant.
Coding change: c.679G>A on transcript NM_198904.4 (MANE Select); coding-DNA position 679, G replaced by A.
Protein change: p.Val227Ile; replaces valine 227 with isoleucine.
Molecular consequence: missense variant.
Genome position (GRCh38, 1-based): chr5:162,103,936, G>A. VCF-style: chr5-162103936-G-A. GRCh37 (hg19) VCF-style: chr5-161530942-G-A.
Other names: c.679G>A, p.Val227Ile (NM_000816.3, NM_001375340.1, NM_001375341.1 and 2 more transcripts); c.670G>A, p.Val224Ile (NM_001375339.1); c.799G>A, p.Val267Ile (NM_001375343.1, NM_198903.2); c.613G>A, p.Val205Ile (NM_001375345.1, NM_001375346.1); c.592G>A, p.Val198Ile (NM_001375347.1); c.259G>A, p.Val87Ile (NM_001375348.1, NM_001375350.1); c.394G>A, p.Val132Ile (NM_001375349.1); short protein forms V267I, V87I, V198I, V227I, V132I, V205I, V224I.
Identifiers: ClinVar variation 2944765 (VCV002944765.3), dbSNP rs2532592468, ClinGen allele CA362185069.